The following is an entry in ClinVar:

ClinVar aggregate classification (germline): Pathogenic (3 of 4 stars; one submission).

Conditions:
Breast-ovarian cancer, familial, susceptibility to, 2 (BROVCA2). Also called: BRCA2 Hereditary Breast and Ovarian Cancer. Identifiers: Orphanet 145, MedGen C2675520, MONDO:0012933, OMIM 612555. Disease mechanism: loss of function.

Submission:

Evidence-based Network for the Interpretation of Germline Mutant Alleles (ENIGMA)
Classification: Pathogenic for Breast-ovarian cancer, familial, susceptibility to, 2. Last evaluated: 2016-10-18. Review status: reviewed by expert panel. Criteria: ENIGMA BRCA1/2 Classification Criteria (2015). Collection method: curation. Allele origin: germline.
Comment: Variant allele predicted to encode a truncated non-functional protein.

NM_000059.4(BRCA2):c.1933del (p.Arg645fs)

Gene: BRCA2 (BRCA2 DNA repair associated; plus strand). Cytogenetic location: 13q13.1.
Variant type: Deletion.
Coding change: c.1933del on transcript NM_000059.4 (MANE Select); coding-DNA position 1933, one base deleted (A; older notation c.1933delA).
Protein change: p.Arg645fs; shifts the reading frame from arginine 645.
Molecular consequence: frameshift variant.
Genome position (GRCh38, 1-based): chr13:32,336,288, A deleted; the last of 4 consecutive A bases (chr13:32,336,285-32,336,288); deleting any one gives the same sequence. VCF-style (leftmost placement, unchanged base first): chr13-32336284-GA-G. GRCh37 (hg19) VCF-style: chr13-32910421-GA-G.
Other names: 2161delA; c.1933delA (NM_000059.3).
Identifiers: ClinVar variation 51229 (VCV000051229.5), dbSNP rs397507616, ClinGen allele CA013952.